The following is an entry in ClinVar:

NM_001128840.3(CACNA1D):c.2TGA[4] (p.Met5_Met7del)

Gene: CACNA1D (calcium voltage-gated channel subunit alpha1 D; plus strand). Cytogenetic location: 3p21.1.
Variant type: Microsatellite.
Coding change: c.2TGA[4] on transcript NM_001128840.3 (MANE Select); four copies in a row of the 3-base unit TGA starting at c.2; the reference has seven copies in a row; three copies, 9 bases deleted.
Protein change: p.Met5_Met7del.
Molecular consequence: inframe deletion, initiator codon variant.
Genome position (GRCh38, 1-based): chr3:53,495,180-53,495,188, TGATGATGA deleted; deleting any 9 consecutive bases within chr3:53,495,166-53,495,188 gives the same sequence; the position shown is the placement nearest the transcript's 3' end. VCF-style (leftmost placement, unchanged base first): chr3-53495165-GGATGATGAT-G. GRCh37 (hg19) VCF-style: chr3-53529192-GGATGATGAT-G.
Other names: c.2TGA[4], p.Met5_Met7del (NM_000720.4, NM_001128839.3).
Identifiers: ClinVar variation 1445477 (VCV001445477.8), dbSNP rs751190058, ClinGen allele CA2453585.

ClinVar aggregate classification (germline): Uncertain significance (1 of 4 stars; one submission).

Submission:

Labcorp Genetics (formerly Invitae), Labcorp
Classification: Uncertain significance. Last evaluated: 2025-04-29. Review status: criteria provided, single submitter. Criteria: Invitae Variant Classification Sherloc (09022015). Collection method: clinical testing. Allele origin: germline.
Comment: This variant, c.14_22del, results in the deletion of 3 amino acid(s) of the CACNA1D protein (p.Met5_Met7del), but otherwise preserves the integrity of the reading frame. This variant is present in population databases (rs752321309, gnomAD 0.007%). This variant has not been reported in the literature in individuals affected with CACNA1D-related conditions. Experimental studies and prediction algorithms are not available or were not evaluated, and the functional significance of this variant is currently unknown. In summary, the available evidence is currently insufficient to determine the role of this variant in disease. Therefore, it has been classified as a Variant of Uncertain Significance.